The following is an entry in ClinVar:

ClinVar aggregate classification (germline): Likely pathogenic. Review status: criteria provided, multiple submitters, no conflicts (2 of 4 stars). 2 submissions from 2 submitters: Likely pathogenic (2). Last evaluated 2025-08-11.

Conditions:
Werner syndrome (WRN). Identifiers: Orphanet 902, MedGen C0043119, MONDO:0010196, OMIM 277700.

Allele frequency attached by ClinVar (database versions not stated): ExAC 0.00001; gnomAD 0.00001; TOPMed 0.00001.
gnomAD v4.1: 17 of 1,613,914 alleles (0.0011%); highest among the groups gnomAD compares: Non-Finnish European, 0.0014%; no homozygotes.

Submissions (2):

Labcorp Genetics (formerly Invitae), Labcorp
Classification: Likely pathogenic for Werner syndrome. Last evaluated: 2025-08-11. Review status: criteria provided, single submitter. Criteria: Invitae Variant Classification Sherloc (09022015). Collection method: clinical testing. Allele origin: germline.
Comment: This sequence change affects a donor splice site in intron 4 of the WRN gene. RNA analysis indicates that disruption of this splice site induces altered splicing and may result in an absent or altered protein product. This variant is present in population databases (rs775196937, gnomAD 0.002%). This variant has not been reported in the literature in individuals affected with WRN-related conditions. ClinVar contains an entry for this variant (Variation ID: 851757). Studies have shown that disruption of this splice site results in skipping of exon 4, and produces a non-functional protein and/or introduces a premature termination codon (internal data). In summary, the currently available evidence indicates that the variant is pathogenic, but additional data are needed to prove that conclusively. Therefore, this variant has been classified as Likely Pathogenic.

Baylor Genetics
Classification: Likely pathogenic for Werner syndrome. Last evaluated: 2024-03-03. Review status: criteria provided, single submitter. Criteria: ACMG Guidelines, 2015. Collection method: clinical testing. Allele origin: unknown.

NM_000553.6(WRN):c.355+1G>T

Gene: WRN (WRN RecQ like helicase; plus strand). Cytogenetic location: 8p12.
Variant type: single nucleotide variant.
Coding change: c.355+1G>T on transcript NM_000553.6 (MANE Select); the canonical splice donor site of the intron after coding-DNA position 355, G replaced by T.
Molecular consequence: splice donor variant.
Genome position (GRCh38, 1-based): chr8:31,064,435, G>T. VCF-style: chr8-31064435-G-T. GRCh37 (hg19) VCF-style: chr8-30921951-G-T.
Identifiers: ClinVar variation 851757 (VCV000851757.11), dbSNP rs775196937, ClinGen allele CA4704038.